The following is an entry in ClinVar:

NM_001009944.3(PKD1):c.8162-13C>G

Gene: PKD1 (polycystin 1, transient receptor potential channel interacting; minus strand). Cytogenetic location: 16p13.3.
Variant type: single nucleotide variant.
Coding change: c.8162-13C>G on transcript NM_001009944.3 (MANE Select); 13 bases into the intron before coding-DNA position 8162, C replaced by G.
Molecular consequence: intron variant.
Genome position (GRCh38, 1-based): chr16:2,103,908, G>C on the plus strand (C>G on the coding strand, the complement: PKD1 is on the minus strand). VCF-style: chr16-2103908-G-C. GRCh37 (hg19) VCF-style: chr16-2153909-G-C.
Other names: c.8162-13C>G (NM_000296.4).
Identifiers: ClinVar variation 2506232 (VCV002506232.1), dbSNP rs766749006, ClinGen allele CA7830639.

ClinVar aggregate classification (germline): Uncertain significance (1 of 4 stars; one submission).

gnomAD v4.1: 1 of 1,479,926 alleles (0.000068%); highest among the groups gnomAD compares: East Asian, 0.0027%; no homozygotes.

Submission:

Women's Health and Genetics/Laboratory Corporation of America, LabCorp
Classification: Uncertain significance. Last evaluated: 2023-05-24. Review status: criteria provided, single submitter. Criteria: LabCorp Variant Classification Summary - May 2015. Collection method: clinical testing. Allele origin: germline.
Comment: Variant summary: PKD1 c.8162-13C>G alters a nucleotide located close to a canonical splice site and therefore could affect mRNA splicing, leading to a significantly altered protein sequence. Several computational tools predict a significant impact on normal splicing: Two predict the variant abolishes a 3' acceptor site. Two predict the variant weakens a 3' acceptor site. Three predict the variant creates a 3' acceptor site. However, these predictions have yet to be confirmed by functional studies. The variant allele was found at a frequency of 5e-06 in 198180 control chromosomes. The available data on variant occurrences in the general population are insufficient to allow any conclusion about variant significance. To our knowledge, no occurrence of c.8162-13C>G in individuals affected with Polycystic Kidney Disease 1 and no experimental evidence demonstrating its impact on protein function have been reported. No clinical diagnostic laboratories have submitted clinical-significance assessments for this variant to ClinVar after 2014. Based on the evidence outlined above, the variant was classified as uncertain significance.